The following is an entry in ClinVar:

ClinVar aggregate classification (germline): Pathogenic (1 of 4 stars; one submission).

Conditions:
Neurofibromatosis, type 1 (NF1). Also called: VON RECKLINGHAUSEN DISEASE; NEUROFIBROMATOSIS, TYPE I, SOMATIC; Peripheral type neurofibromatosis; Neurofibromatosis, type I. Identifiers: Orphanet 636, MedGen C0027831, MONDO:0018975, OMIM 162200. Disease mechanism: loss of function.

Submission:

Labcorp Genetics (formerly Invitae), Labcorp
Classification: Pathogenic for Neurofibromatosis, type 1. Last evaluated: 2018-04-30. Review status: criteria provided, single submitter. Criteria: Invitae Variant Classification Sherloc (09022015). Collection method: clinical testing. Allele origin: germline.
Comment: This variant is not present in population databases (ExAC no frequency). For these reasons, this variant has been classified as Pathogenic. Loss-of-function variants in NF1 are known to be pathogenic (PMID: 10712197, 23913538). This variant has not been reported in the literature in individuals with NF1-related disease. This sequence change creates a premature translational stop signal (p.Glu2620Asnfs*3) in the NF1 gene. It is expected to result in an absent or disrupted protein product.

Literature cited by the submitters: PubMed 10712197; PubMed 23913538.

NM_001042492.3(NF1):c.7921del (p.Glu2641fs)

Gene: NF1 (neurofibromin 1; plus strand). Cytogenetic location: 17q11.2.
Variant type: Deletion.
Coding change: c.7921del on transcript NM_001042492.3 (MANE Select); coding-DNA position 7921, one base deleted (G; older notation c.7921delG).
Protein change: p.Glu2641fs; shifts the reading frame from glutamic acid 2641.
Molecular consequence: frameshift variant.
Genome position (GRCh38, 1-based): chr17:31,357,320, G deleted. VCF-style (leftmost placement, unchanged base first): chr17-31357319-TG-T. GRCh37 (hg19) VCF-style: chr17-29684337-TG-T.
Other names: c.7858delG, p.Glu2620Asnfs (NM_000267.4); c.7858delG (NM_000267.3); short protein forms E2641fs, E2620fs.
Identifiers: ClinVar variation 565583 (VCV000565583.5), dbSNP rs1567627210, ClinGen allele CA891843666.